The following is an entry in ClinVar:

ClinVar aggregate classification (germline): Uncertain significance. Review status: criteria provided, multiple submitters, no conflicts (2 of 4 stars). 2 submissions from 2 submitters: Uncertain significance (2). Last evaluated 2025-11-08.

Allele frequency attached by ClinVar (database versions not stated): gnomAD exomes below 0.00001; gnomAD 0.00001; ExAC 0.00002.
gnomAD v4.1: 7 of 1,614,110 alleles (0.00043%); highest among the groups gnomAD compares: Non-Finnish European, 0.00059%; no homozygotes.

Submissions (2):

Labcorp Genetics (formerly Invitae), Labcorp
Classification: Uncertain significance. Last evaluated: 2025-11-08. Review status: criteria provided, single submitter. Criteria: Invitae Variant Classification Sherloc (09022015). Collection method: clinical testing. Allele origin: germline.
Comment: This sequence change replaces asparagine, which is neutral and polar, with lysine, which is basic and polar, at codon 97 of the ZHX3 protein (p.Asn97Lys). This variant is present in population databases (rs775834210, gnomAD 0.002%). This variant has not been reported in the literature in individuals affected with ZHX3-related conditions. ClinVar contains an entry for this variant (Variation ID: 3193553). An algorithm developed to predict the effect of missense changes on protein structure and function (PolyPhen-2) suggests that this variant is likely to be tolerated. In summary, the available evidence is currently insufficient to determine the role of this variant in disease. Therefore, it has been classified as a Variant of Uncertain Significance.

Ambry Genetics
Classification: Uncertain significance. Last evaluated: 2023-11-21. Review status: criteria provided, single submitter. Criteria: Ambry Variant Classification Scheme 2023. Collection method: clinical testing. Allele origin: germline.

NM_001384317.1(ZHX3):c.291C>G (p.Asn97Lys)

Gene: ZHX3 (zinc fingers and homeoboxes 3; minus strand). Cytogenetic location: 20q12.
Variant type: single nucleotide variant.
Coding change: c.291C>G on transcript NM_001384317.1 (MANE Select); coding-DNA position 291, C replaced by G.
Protein change: p.Asn97Lys; replaces asparagine 97 with lysine.
Molecular consequence: missense variant.
Genome position (GRCh38, 1-based): chr20:41,204,626, G>C on the plus strand (C>G on the coding strand, the complement: ZHX3 is on the minus strand). VCF-style: chr20-41204626-G-C. GRCh37 (hg19) VCF-style: chr20-39833266-G-C.
Other names: c.291C>G, p.Asn97Lys (NM_001384315.1, NM_001384316.1, NM_001384318.1 and 8 more transcripts); short protein forms N97K.
Identifiers: ClinVar variation 3193553 (VCV003193553.2), dbSNP rs775834210, ClinGen allele CA9860134.
Genomic context (GRCh38, chr20:41,204,626, plus strand): 5'-CAGAAAACTGCACCCACTGCATACAAAGGTTGGGTCTTTATTAAAGTCTGTGTGCTCTGA[G>C]TTCATATGTCCCACAAATTGGGTCATGTCATGGGATCTGAAATCGCAGTATTTACAGGAA-3'
Protein context (NP_001371246.1, residues 87-107): HDMTQFVGHM[Asn97Lys]SEHTDFNKDP